The following is an entry in ClinVar:

ClinVar aggregate classification (germline): Uncertain significance (1 of 4 stars; one submission).

Conditions:
Cardiovascular phenotype. Identifiers: MedGen CN230736.

Submission:

Ambry Genetics
Classification: Uncertain significance for Cardiovascular phenotype. Last evaluated: 2024-03-22. Review status: criteria provided, single submitter. Criteria: Ambry Variant Classification Scheme 2023. Collection method: clinical testing. Allele origin: germline.
Comment: The p.P2028R variant (also known as c.6083C>G), located in coding exon 37 of the FLNC gene, results from a C to G substitution at nucleotide position 6083. The proline at codon 2028 is replaced by arginine, an amino acid with dissimilar properties. This amino acid position is conserved. In addition, this alteration is predicted to be deleterious by in silico analysis. Based on the available evidence, the clinical significance of this alteration remains unclear.

NM_001458.5(FLNC):c.6083C>G (p.Pro2028Arg)

Genes: FLNC (filamin C; plus strand), FLNC-AS1 (FLNC antisense RNA 1; minus strand). Cytogenetic location: 7q32.1.
Variant type: single nucleotide variant.
Coding change: c.6083C>G on transcript NM_001458.5 (MANE Select); coding-DNA position 6083, C replaced by G.
Protein change: p.Pro2028Arg; replaces proline 2028 with arginine.
Molecular consequence: missense variant.
Genome position (GRCh38, 1-based): chr7:128,852,906, C>G. VCF-style: chr7-128852906-C-G. GRCh37 (hg19) VCF-style: chr7-128492960-C-G.
Other names: c.5984C>G, p.Pro1995Arg (NM_001127487.2); short protein forms P2028R, P1995R.
Identifiers: ClinVar variation 3279203 (VCV003279203.1).
Genomic context (GRCh38, chr7:128,852,906, plus strand): 5'-AGGAGGTCGGGGAGCACGTGGTGAGCGTGCGCAAGAGTGGCAAGCATGTCACCAACAGCC[C>G]CTTCAAGATCCTGGTGGGGCCATCTGAGATCGGGGACGCCAGCAAGGTGCGGGTCTGGGG-3'
Protein context (NP_001449.3, residues 2018-2038): RKSGKHVTNS[Pro2028Arg]FKILVGPSEI